The following is an entry in ClinVar:

ClinVar aggregate classification (germline): Uncertain significance (1 of 4 stars; one submission).

Conditions:
Familial hypocalciuric hypercalcemia (FHH). Also called: Familial benign hypercalcemia. Identifiers: Orphanet 405, MedGen C1809471, MONDO:0018458.
Autosomal dominant hypocalcemia 1 (HYPOC1). Also called: HYPOCALCEMIA, FAMILIAL. Identifiers: MedGen C3715128, MONDO:0011013, OMIM 601198.

Submission:

Labcorp Genetics (formerly Invitae), Labcorp
Classification: Uncertain significance for Familial hypocalciuric hypercalcemia; Autosomal dominant hypocalcemia 1. Last evaluated: 2022-08-24. Review status: criteria provided, single submitter. Criteria: Invitae Variant Classification Sherloc (09022015). Collection method: clinical testing. Allele origin: germline.
Comment: In summary, the available evidence is currently insufficient to determine the role of this variant in disease. Therefore, it has been classified as a Variant of Uncertain Significance. Algorithms developed to predict the effect of missense changes on protein structure and function (SIFT, PolyPhen-2, Align-GVGD) all suggest that this variant is likely to be disruptive. This variant has not been reported in the literature in individuals affected with CASR-related conditions. This variant is not present in population databases (gnomAD no frequency). This sequence change replaces glycine, which is neutral and non-polar, with glutamic acid, which is acidic and polar, at codon 720 of the CASR protein (p.Gly720Glu).

NM_000388.4(CASR):c.2159G>A (p.Gly720Glu)

Gene: CASR (calcium sensing receptor; plus strand). Cytogenetic location: 3q21.1.
Variant type: single nucleotide variant.
Coding change: c.2159G>A on transcript NM_000388.4 (MANE Select); coding-DNA position 2159, G replaced by A.
Protein change: p.Gly720Glu; replaces glycine 720 with glutamic acid.
Molecular consequence: missense variant.
Genome position (GRCh38, 1-based): chr3:122,284,113, G>A. VCF-style: chr3-122284113-G-A. GRCh37 (hg19) VCF-style: chr3-122002960-G-A.
Other names: c.2189G>A, p.Gly730Glu (NM_001178065.2); short protein forms G720E, G730E.
Identifiers: ClinVar variation 1717979 (VCV001717979.6), dbSNP rs2473278384, ClinGen allele CA354158835.
Genomic context (GRCh38, chr3:122,284,113, plus strand): 5'-ACCGTGTCCTCCTGGTGTTTGAGGCCAAGATCCCCACCAGCTTCCACCGCAAGTGGTGGG[G>A]GCTCAACCTGCAGTTCCTGCTGGTTTTCCTCTGCACCTTCATGCAGATTGTCATCTGTGT-3'
Protein context (NP_000379.3, residues 710-730): IPTSFHRKWW[Gly720Glu]LNLQFLLVFL